The following is an entry in ClinVar:

ClinVar aggregate classification (germline): Likely pathogenic (0 of 4 stars; one submission).

Conditions:
Gaucher disease type I (GD1). Also called: GAUCHER DISEASE, NONCEREBRAL JUVENILE; GBA DEFICIENCY; GD I; GLUCOCEREBROSIDASE DEFICIENCY; Type 1 Gaucher Disease; GD 1. Identifiers: Orphanet 355, Orphanet 77259, MedGen C1961835, MONDO:0009265, OMIM 230800.

Submission:

Foundation for Research in Genetics and Endocrinology, FRIGE's Institute of Human Genetics
Classification: Likely pathogenic for Gaucher disease type I. Last evaluated: 2012-03-10. Review status: no assertion criteria provided. Collection method: research. Allele origin: germline. Inheritance: Autosomal recessive inheritance. Affected: yes. Observed: 1 variant allele.
Comment: Variant c.1397T>G/p.I466S (ENST00000368373) was found to be pathogenic by online software like Mutation Taster, SIFT and Polyphen-2.

NM_000157.4(GBA1):c.1397T>G (p.Ile466Ser)

Genes: GBA1 (glucosylceramidase beta 1; minus strand), LOC106627981 (GBA recombination region; plus strand). Cytogenetic location: 1q22.
Variant type: single nucleotide variant.
Coding change: c.1397T>G on transcript NM_000157.4 (MANE Select); coding-DNA position 1397, T replaced by G.
Protein change: p.Ile466Ser; replaces isoleucine 466 with serine.
Molecular consequence: missense variant.
Genome position (GRCh38, 1-based): chr1:155,235,303, A>C on the plus strand (T>G on the coding strand, the complement: GBA1 is on the minus strand). VCF-style: chr1-155235303-A-C. GRCh37 (hg19) VCF-style: chr1-155205094-A-C.
Other names: c.1397T>G, p.Ile466Ser (NM_001005741.3, NM_001005742.3); c.1136T>G, p.Ile379Ser (NM_001171811.2); c.1250T>G, p.Ile417Ser (NM_001171812.2); short protein forms I466S, I417S, I379S.
Identifiers: ClinVar variation 236405 (VCV000236405.4), dbSNP rs878853320, ClinGen allele CA10581617.
Genomic context (GRCh38, chr1:155,235,303, plus strand): 5'-ACTGCGTCCAGGTCGTTCTTCTGACTGGCAACCAGCCCCACTCTCTGGGAGCCCTCAGGA[A>C]TGAACTTGCTGAATGTGGGAACAGATGGTCAGAGTCCCTCGGGGTACCTCCCATGAAACC-3'
Protein context (NP_000148.2, residues 456-476): FYHLGHFSKF[Ile466Ser]PEGSQRVGLV